The following is an entry in ClinVar:

NM_024675.4(PALB2):c.2786A>G (p.Tyr929Cys)

Gene: PALB2 (partner and localizer of BRCA2; minus strand). Cytogenetic location: 16p12.2.
Variant type: single nucleotide variant.
Coding change: c.2786A>G on transcript NM_024675.4 (MANE Select); coding-DNA position 2786, A replaced by G.
Protein change: p.Tyr929Cys; replaces tyrosine 929 with cysteine.
Molecular consequence: missense variant.
Genome position (GRCh38, 1-based): chr16:23,624,057, T>C on the plus strand (A>G on the coding strand, the complement: PALB2 is on the minus strand). VCF-style: chr16-23624057-T-C. GRCh37 (hg19) VCF-style: chr16-23635378-T-C.
Other names: c.2726A>G, p.Tyr909Cys (NM_001407296.1); c.2714A>G, p.Tyr905Cys (NM_001407297.1); c.2624A>G, p.Tyr875Cys (NM_001407298.1, NM_001407302.1); c.2786A>G, p.Tyr929Cys (NM_001407299.1, NM_001407300.1, NM_001407301.1); c.1901A>G, p.Tyr634Cys (NM_001407304.1, NM_001407305.1, NM_001407306.1 and 4 more transcripts); c.1739A>G, p.Tyr580Cys (NM_001407307.1); c.998A>G, p.Tyr333Cys (NM_001407312.1, NM_001407313.1); c.320A>G, p.Tyr107Cys (NM_001407314.1); short protein forms Y909C, Y333C, Y634C, Y875C, Y580C, Y929C, Y107C, Y905C.
Identifiers: ClinVar variation 2773998 (VCV002773998.4), dbSNP rs1249404804, ClinGen allele CA395145070.

ClinVar aggregate classification (germline): Conflicting classifications of pathogenicity. Review status: criteria provided, conflicting classifications (1 of 4 stars). 3 submissions from 3 submitters: Uncertain significance (1); Likely benign (1). 1 of the submissions does not count toward it. Last evaluated 2025-04-11.

Conditions:
Hereditary cancer-predisposing syndrome. Also called: Hereditary neoplastic syndrome; Hereditary Cancer Syndrome; Neoplastic Syndromes, Hereditary; Tumor predisposition. Identifiers: Orphanet 140162, MedGen C0027672, MeSH D009386, MONDO:0015356.
PALB2-related disorder. Also called: PALB2-related disorders; PALB2-related condition.

Submissions (3):

Ambry Genetics
Classification: Likely benign for Hereditary cancer-predisposing syndrome. Last evaluated: 2025-04-11. Review status: criteria provided, single submitter. Criteria: Ambry Variant Classification Scheme 2023. Collection method: clinical testing. Allele origin: germline.

Color Diagnostics, LLC DBA Color Health
Classification: Uncertain significance for Hereditary cancer-predisposing syndrome. Last evaluated: 2021-08-25. Review status: criteria provided, single submitter. Criteria: ACMG Guidelines, 2015. Collection method: clinical testing. Allele origin: germline.
Comment: This missense variant replaces tyrosine with cysteine at codon 929 of the PALB2 protein. Computational prediction suggests that this variant may not impact protein structure and function (internally defined REVEL score threshold <= 0.5, PMID: 27666373). To our knowledge, functional studies have not been reported for this variant. This variant has not been reported in individuals affected with hereditary cancer in the literature. This variant has not been identified in the general population by the Genome Aggregation Database (gnomAD). The available evidence is insufficient to determine the role of this variant in disease conclusively. Therefore, this variant is classified as a Variant of Uncertain Significance.

PreventionGenetics, part of Exact Sciences
Classification: Uncertain significance for PALB2-related condition. Last evaluated: 2024-03-28. Review status: no assertion criteria provided. Collection method: clinical testing. Allele origin: germline. Not counted in ClinVar's aggregate classification.
Comment: The PALB2 c.2786A>G variant is predicted to result in the amino acid substitution p.Tyr929Cys. To our knowledge, this variant has not been reported in the literature or in a large population database, indicating this variant is rare. At this time, the clinical significance of this variant is uncertain due to the absence of conclusive functional and genetic evidence.